The following is an entry in ClinVar:

NM_004947.5(DOCK3):c.295T>C (p.Leu99=)

Gene: DOCK3 (dedicator of cytokinesis 3; plus strand). Cytogenetic location: 3p21.2.
Variant type: single nucleotide variant.
Coding change: c.295T>C on transcript NM_004947.5 (MANE Select); coding-DNA position 295, T replaced by C.
Protein change: p.Leu99=; no amino-acid change (leucine 99 retained).
Molecular consequence: synonymous variant.
Genome position (GRCh38, 1-based): chr3:50,934,057, T>C. VCF-style: chr3-50934057-T-C. GRCh37 (hg19) VCF-style: chr3-50971488-T-C.
Identifiers: ClinVar variation 3048862 (VCV003048862.2), dbSNP rs144781090, ClinGen allele CA2420650.
Genomic context (GRCh38, chr3:50,934,057, plus strand): 5'-GTTCCACTTGAAGATTCTATTGTGACTGAGGTTACAGCAACTCTACAAGAATGGGCAAGT[T>C]TGTGGAAACAGTTGTATGTGGTAAGTAGTTGATTACTGGTTTATTGGATCATTAAAGTTT-3'
Protein context (NP_004938.1, residues 89-109): VTATLQEWAS[Leu99=]WKQLYVKHKV

ClinVar aggregate classification (germline): Likely benign (0 of 4 stars; one submission).

Conditions:
DOCK3-related disorder. Also called: DOCK3-related condition.

Allele frequency attached by ClinVar (database versions not stated): gnomAD exomes 0.00016; ExAC 0.00063; 1000 Genomes Project 0.00100; 1000 Genomes Project 30x 0.00109; gnomAD 0.00193; TOPMed 0.00214; ESP Exome Variant Server 0.00251.
gnomAD v4.1: 521 of 1,610,560 alleles (0.032%); highest among the groups gnomAD compares: African/African-American, 0.63%; 3 homozygotes.

Submission:

PreventionGenetics, part of Exact Sciences
Classification: Likely benign for DOCK3-related condition. Last evaluated: 2019-03-25. Review status: no assertion criteria provided. Collection method: clinical testing. Allele origin: germline.
Comment: This variant is classified as likely benign based on ACMG/AMP sequence variant interpretation guidelines (Richards et al. 2015 PMID: 25741868, with internal and published modifications).